The following is an entry in ClinVar:

ClinVar aggregate classification (germline): Uncertain significance (1 of 4 stars; one submission).

Submission:

Labcorp Genetics (formerly Invitae), Labcorp
Classification: Uncertain significance. Last evaluated: 2022-11-02. Review status: criteria provided, single submitter. Criteria: Invitae Variant Classification Sherloc (09022015). Collection method: clinical testing. Allele origin: germline.
Comment: In summary, the available evidence is currently insufficient to determine the role of this variant in disease. Therefore, it has been classified as a Variant of Uncertain Significance. Algorithms developed to predict the effect of sequence changes on RNA splicing suggest that this variant may disrupt the consensus splice site. Algorithms developed to predict the effect of missense changes on protein structure and function (SIFT, PolyPhen-2, Align-GVGD) all suggest that this variant is likely to be disruptive. This variant has not been reported in the literature in individuals affected with PROM1-related conditions. This variant is not present in population databases (gnomAD no frequency). This sequence change replaces isoleucine, which is neutral and non-polar, with asparagine, which is neutral and polar, at codon 607 of the PROM1 protein (p.Ile607Asn).

NM_006017.3(PROM1):c.1820T>A (p.Ile607Asn)

Gene: PROM1 (prominin 1; minus strand). Cytogenetic location: 4p15.32.
Variant type: single nucleotide variant.
Coding change: c.1820T>A on transcript NM_006017.3 (MANE Select); coding-DNA position 1820, T replaced by A.
Protein change: p.Ile607Asn; replaces isoleucine 607 with asparagine.
Molecular consequence: missense variant.
Genome position (GRCh38, 1-based): chr4:15,992,339, A>T on the plus strand (T>A on the coding strand, the complement: PROM1 is on the minus strand). VCF-style: chr4-15992339-A-T. GRCh37 (hg19) VCF-style: chr4-15993962-A-T.
Other names: c.1793T>A, p.Ile598Asn (NM_001145847.2, NM_001145848.2, NM_001145851.2 and 4 more transcripts); c.1820T>A, p.Ile607Asn (NM_001145849.2, NM_001145850.2); short protein forms I598N, I607N.
Identifiers: ClinVar variation 2811589 (VCV002811589.3), dbSNP rs2475282134, ClinGen allele CA356430952.
Genomic context (GRCh38, chr4:15,992,339, plus strand): 5'-TCTATTCCACAAGCAGCAAAATCCTGAAGGTTTTTTCTTCCTGCTGCACCCAACAGAAAG[A>T]TATTAAGATTTACCTTCAGACTTTCCAATTCACTGCTTATGCTTCCAGTATGCTGCGAAA-3'
Protein context (NP_006008.1, residues 597-617): ELESLKVNLN[Ile607Asn]FLLGAAGRKN